The following is an entry in ClinVar:

ClinVar aggregate classification (germline): Uncertain significance (1 of 4 stars; one submission).

Allele frequency attached by ClinVar (database versions not stated): gnomAD exomes 0.00001; ExAC 0.00002; gnomAD 0.00003; TOPMed 0.00003; ESP Exome Variant Server 0.00008; 1000 Genomes Project 30x 0.00016; 1000 Genomes Project 0.00020.
gnomAD v4.1: 22 of 1,614,034 alleles (0.0014%); highest among the groups gnomAD compares: East Asian, 0.013%; no homozygotes.

Submission:

Labcorp Genetics (formerly Invitae), Labcorp
Classification: Uncertain significance. Last evaluated: 2022-04-29. Review status: criteria provided, single submitter. Criteria: Invitae Variant Classification Sherloc (09022015). Collection method: clinical testing. Allele origin: germline.
Comment: In summary, the available evidence is currently insufficient to determine the role of this variant in disease. Therefore, it has been classified as a Variant of Uncertain Significance. Algorithms developed to predict the effect of missense changes on protein structure and function output the following: SIFT: "Tolerated"; PolyPhen-2: "Benign"; Align-GVGD: "Class C0". The valine amino acid residue is found in multiple mammalian species, which suggests that this missense change does not adversely affect protein function. This variant has not been reported in the literature in individuals affected with MYH7B-related conditions. This variant is present in population databases (rs201842420, gnomAD 0.02%). This sequence change replaces methionine, which is neutral and non-polar, with valine, which is neutral and non-polar, at codon 350 of the MYH7B protein (p.Met350Val).

NM_020884.7(MYH7B):c.922A>G (p.Met308Val)

Gene: MYH7B (myosin heavy chain 7B; plus strand). Cytogenetic location: 20q11.22.
Variant type: single nucleotide variant.
Coding change: c.922A>G on transcript NM_020884.7 (MANE Select); coding-DNA position 922, A replaced by G.
Protein change: p.Met308Val; replaces methionine 308 with valine.
Molecular consequence: missense variant.
Genome position (GRCh38, 1-based): chr20:34,986,903, A>G. VCF-style: chr20-34986903-A-G. GRCh37 (hg19) VCF-style: chr20-33574706-A-G.
Other names: short protein forms M308V.
Identifiers: ClinVar variation 2414684 (VCV002414684.6), dbSNP rs201842420, ClinGen allele CA9826715.